The following is an entry in ClinVar:

NC_000023.10:g.(?_53272494)_(53461292_?)dup

Genes: HSD17B10 (hydroxysteroid 17-beta dehydrogenase 10; minus strand), IQSEC2 (IQ motif and Sec7 domain ArfGEF 2; minus strand), RIBC1 (RIB43A domain with coiled-coils 1; plus strand), SMC1A (structural maintenance of chromosomes 1A; minus strand). Cytogenetic location: Xp11.22.
Variant type: Duplication.
Identifiers: ClinVar variation 2423727 (VCV002423727.6).

ClinVar aggregate classification (germline): Uncertain significance (1 of 4 stars; one submission).

Conditions:
Intellectual developmental disorder, X-linked 1. Also called: Intellectual disability, X-linked 1; Atkin Flaitz Patil Smith syndrome; MENTAL RETARDATION, X-LINKED 18; MENTAL RETARDATION, X-LINKED 78. Identifiers: Orphanet 777, MedGen C2931498, MONDO:0010656, OMIM 309530.

Submission:

Labcorp Genetics (formerly Invitae), Labcorp
Classification: Uncertain significance for Intellectual developmental disorder, X-linked 1. Last evaluated: 2022-05-12. Review status: criteria provided, single submitter. Criteria: Invitae Variant Classification Sherloc (09022015). Collection method: clinical testing. Allele origin: germline.
Comment: This variant results in a copy number gain of the genomic region encompassing exon(s) 1-9 of the IQSEC2 gene. This region includes the initiator codon of the gene. This copy number gain extends beyond the assayed region for this gene and therefore may encompass additional genes. As the precise location of this event is unknown, it may be in tandem or it may be located elsewhere in the genome. This variant has not been reported in the literature in individuals affected with IQSEC2-related conditions. In summary, the available evidence is currently insufficient to determine the role of this variant in disease. Therefore, it has been classified as a Variant of Uncertain Significance.